The following is an entry in ClinVar:

ClinVar aggregate classification (germline): Pathogenic (1 of 4 stars; one submission).

Conditions:
Congenital disorder of glycosylation type 1E (CDG1E). Also called: CONGENITAL DISORDER OF GLYCOSYLATION, TYPE Ie; CDG Ie. Identifiers: Orphanet 79322, MedGen C1837396, MONDO:0012123, OMIM 608799.

Submissions (2):

Labcorp Genetics (formerly Invitae), Labcorp
Classification: Pathogenic for Congenital disorder of glycosylation type 1E. Last evaluated: 2018-10-20. Review status: criteria provided, single submitter. Criteria: Invitae Variant Classification Sherloc (09022015). Collection method: clinical testing. Allele origin: germline.
Comment: This sequence change creates a premature translational stop signal (p.Glu137*) in the DPM1 gene. It is expected to result in an absent or disrupted protein product. This variant is not present in population databases (ExAC no frequency). This variant has not been reported in the literature in individuals with a DPM1-related disease.¬†ClinVar contains an entry for this variant (Variation ID: 464504). Algorithms developed to predict the effect of sequence changes on RNA splicing suggest that this variant may create or strengthen a splice site, but this prediction has not been confirmed by published transcriptional studies. Loss-of-function variants in DPM1 are known to be pathogenic (PMID: 10642597, 10642602). For these reasons, this variant has been classified as Pathogenic.

Dr. Peter K. Rogan Lab, Western University
No classification provided (evidence only). Condition: Malignant tumor of urinary bladder. Review status: no classification provided. Collection method: in vitro. Allele origin: not applicable. Functional consequence: skipped exon. Not counted in ClinVar's aggregate classification.

Literature cited by the submitters: PubMed 10642597 (cited by Labcorp Genetics (formerly Invitae), Labcorp); PubMed 10642602 (cited by Labcorp Genetics (formerly Invitae), Labcorp).

NM_003859.3(DPM1):c.409G>T (p.Glu137Ter)

Genes: ADNP-AS1 (ADNP antisense RNA 1; plus strand), DPM1 (dolichyl-phosphate mannosyltransferase subunit 1, catalytic; minus strand). Cytogenetic location: 20q13.13.
Variant type: single nucleotide variant.
Coding change: c.409G>T on transcript NM_003859.3 (MANE Select); coding-DNA position 409, G replaced by T.
Protein change: p.Glu137Ter; replaces glutamic acid 137 with a stop codon.
Molecular consequence: nonsense. On other transcripts: non-coding transcript variant (1).
Genome position (GRCh38, 1-based): chr20:50,942,116, C>A on the plus strand (G>T on the coding strand, the complement: DPM1 is on the minus strand). VCF-style: chr20-50942116-C-A. GRCh37 (hg19) VCF-style: chr20-49558653-C-A.
Other names: c.409G>T, p.Glu137Ter (NM_001317034.1, NM_001317035.1, NM_001317036.1); short protein forms E137*.
Identifiers: ClinVar variation 464504 (VCV000464504.4), dbSNP rs753780084, ClinGen allele CA408989429.
Genomic context (GRCh38, chr20:50,942,116, plus strand): 5'-AGCCATATACACCTCCATTTCCTTTGTAGCGAGTTCCAGAGACAATATCAAAATTACCCT[C>A]CTTTTGCTTCCTGTAGAATAAATTAGCTGTCAATTAGAAAAAGCCACTGAGCTTTCAACA-3'